The following is an entry in ClinVar:

NM_001687.5(ATP5F1D):c.197C>G (p.Ala66Gly)

Gene: ATP5F1D (ATP synthase F1 subunit delta; plus strand). Cytogenetic location: 19p13.3.
Variant type: single nucleotide variant.
Coding change: c.197C>G on transcript NM_001687.5 (MANE Select); coding-DNA position 197, C replaced by G.
Protein change: p.Ala66Gly; replaces alanine 66 with glycine.
Molecular consequence: missense variant.
Genome position (GRCh38, 1-based): chr19:1,242,511, C>G. VCF-style: chr19-1242511-C-G. GRCh37 (hg19) VCF-style: chr19-1242510-C-G.
Other names: c.197C>G (NM_001687.4); c.197C>G, p.Ala66Gly (NM_001001975.2); short protein forms A66G.
Identifiers: ClinVar variation 1910521 (VCV001910521.6), dbSNP rs747921308, ClinGen allele CA9040236.

ClinVar aggregate classification (germline): Uncertain significance. Review status: criteria provided, multiple submitters, no conflicts (2 of 4 stars). 2 submissions from 2 submitters: Uncertain significance (2). Last evaluated 2025-11-13.

Conditions:
Inborn genetic diseases. Identifiers: MedGen C0950123, MeSH D030342.

Allele frequency attached by ClinVar (database versions not stated): gnomAD exomes 0.00001; gnomAD 0.00003; TOPMed 0.00007.
gnomAD v4.1: 15 of 1,551,204 alleles (0.00097%); highest among the groups gnomAD compares: Admixed American, 0.017%; no homozygotes.

Submissions (2):

Ambry Genetics
Classification: Uncertain significance for Inborn genetic diseases. Last evaluated: 2025-11-13. Review status: criteria provided, single submitter. Criteria: Ambry Variant Classification Scheme 2023. Collection method: clinical testing. Allele origin: germline.

Labcorp Genetics (formerly Invitae), Labcorp
Classification: Uncertain significance. Last evaluated: 2025-05-17. Review status: criteria provided, single submitter. Criteria: Invitae Variant Classification Sherloc (09022015). Collection method: clinical testing. Allele origin: germline.
Comment: This sequence change replaces alanine, which is neutral and non-polar, with glycine, which is neutral and non-polar, at codon 66 of the ATP5D protein (p.Ala66Gly). This variant is present in population databases (rs747921308, gnomAD 0.02%). This variant has not been reported in the literature in individuals affected with ATP5D-related conditions. ClinVar contains an entry for this variant (Variation ID: 1910521). An algorithm developed to predict the effect of missense changes on protein structure and function (PolyPhen-2) suggests that this variant is likely to be tolerated. In summary, the available evidence is currently insufficient to determine the role of this variant in disease. Therefore, it has been classified as a Variant of Uncertain Significance.